The following is an entry in ClinVar:

NM_004415.4(DSP):c.4229dup (p.Arg1411fs)

Gene: DSP (desmoplakin; plus strand). Cytogenetic location: 6p24.3.
Variant type: Duplication.
Coding change: c.4229dup on transcript NM_004415.4 (MANE Select); coding-DNA position 4229, one base duplicated (A; older notation c.4229dupA).
Protein change: p.Arg1411fs; shifts the reading frame from arginine 1411.
Molecular consequence: frameshift variant. On other transcripts: intron variant (2).
Genome position (GRCh38, 1-based): chr6:7,580,419, A duplicated; the last of 3 consecutive A bases (chr6:7,580,417-7,580,419); duplicating any one gives the same sequence. VCF-style (leftmost placement, unchanged base first): chr6-7580416-T-TA. GRCh37 (hg19) VCF-style: chr6-7580649-T-TA.
Other names: c.4050+179dup (NM_001319034.2); c.3582+647dup (NM_001008844.3); short protein forms R1411fs.
Identifiers: ClinVar variation 2034695 (VCV002034695.4), dbSNP rs2533927884, ClinGen allele CA2580075420.

ClinVar aggregate classification (germline): Pathogenic (1 of 4 stars; one submission).

Conditions:
Arrhythmogenic right ventricular dysplasia 8 (ARVD8). Also called: ARRHYTHMOGENIC RIGHT VENTRICULAR CARDIOMYOPATHY 8; Arrhythmogenic Right Ventricular Dysplasia/Cardiomyopathy 8; ARRHYTHMOGENIC RIGHT VENTRICULAR DYSPLASIA, FAMILIAL, 8. Identifiers: MedGen C1843896, MONDO:0011831, OMIM 607450.
Arrhythmogenic cardiomyopathy with wooly hair and keratoderma. Also called: Arrhythmogenic cardiomyopathy with woolly hair and keratoderma; PALMOPLANTAR KERATODERMA WITH LEFT VENTRICULAR CARDIOMYOPATHY AND WOOLLY HAIR; Carvajal syndrome; Dilated cardiomyopathy with woolly hair and keratoderma. Identifiers: Orphanet 65282, MedGen C1854063, MONDO:0011581, OMIM 605676.

Submission:

Labcorp Genetics (formerly Invitae), Labcorp
Classification: Pathogenic for Arrhythmogenic cardiomyopathy with wooly hair and keratoderma; Arrhythmogenic right ventricular dysplasia 8. Last evaluated: 2022-10-08. Review status: criteria provided, single submitter. Criteria: Invitae Variant Classification Sherloc (09022015). Collection method: clinical testing. Allele origin: germline.
Comment: For these reasons, this variant has been classified as Pathogenic. This variant has not been reported in the literature in individuals affected with DSP-related conditions. This variant is not present in population databases (gnomAD no frequency). This sequence change creates a premature translational stop signal (p.Arg1411Glufs*29) in the DSP gene. It is expected to result in an absent or disrupted protein product. Loss-of-function variants in DSP are known to be pathogenic (PMID: 20716751, 24503780, 25227139).

Literature cited by the submitters: PubMed 20716751; PubMed 24503780; PubMed 25227139.